The following is an entry in ClinVar:

NM_014225.6(PPP2R1A):c.78+87T>A

Gene: PPP2R1A (protein phosphatase 2 scaffold subunit Aalpha; plus strand). Cytogenetic location: 19q13.41.
Variant type: single nucleotide variant.
Coding change: c.78+87T>A on transcript NM_014225.6 (MANE Select); 87 bases into the intron after coding-DNA position 78, T replaced by A.
Molecular consequence: intron variant.
Genome position (GRCh38, 1-based): chr19:52,190,261, T>A. VCF-style: chr19-52190261-T-A. GRCh37 (hg19) VCF-style: chr19-52693514-T-A.
Identifiers: ClinVar variation 4534708 (VCV004534708.6).

ClinVar aggregate classification (germline): Likely benign (1 of 4 stars; one submission).

gnomAD v4.1: 202 of 1,455,692 alleles (0.014%); highest among the groups gnomAD compares: African/African-American, 0.26%; no homozygotes.

Submission:

CeGaT Center for Human Genetics Tuebingen
Classification: Likely benign. Last evaluated: 2026-03-01. Review status: criteria provided, single submitter. Criteria: CeGaT Center For Human Genetics Tuebingen Variant Classification Criteria Version 2. Collection method: clinical testing. Allele origin: germline. Affected: yes. Observed: 2 variant alleles.
Comment: PPP2R1A: BP4, BP7, BS1